The following is an entry in ClinVar:

NM_207122.2(EXT2):c.443A>G (p.Asn148Ser)

Gene: EXT2 (exostosin glycosyltransferase 2; plus strand). Cytogenetic location: 11p11.2.
Variant type: single nucleotide variant.
Coding change: c.443A>G on transcript NM_207122.2 (MANE Select); coding-DNA position 443, A replaced by G.
Protein change: p.Asn148Ser; replaces asparagine 148 with serine.
Molecular consequence: missense variant.
Genome position (GRCh38, 1-based): chr11:44,108,155, A>G. VCF-style: chr11-44108155-A-G. GRCh37 (hg19) VCF-style: chr11-44129705-A-G.
Other names: c.542A>G, p.Asn181Ser (NM_000401.3); c.443A>G, p.Asn148Ser (NM_001178083.3, NM_001389628.1, NM_001389630.1); short protein forms N148S, N181S.
Identifiers: ClinVar variation 2172308 (VCV002172308.5), dbSNP rs781058452, ClinGen allele CA380180363.
Genomic context (GRCh38, chr11:44,108,155, plus strand): 5'-GGGAGTATAATGAACTGCTCATGGCCATCTCAGACAGTGACTACTACACTGATGACATCA[A>G]CCGGGCCTGTCTGTTTGTTCCCTCCATCGATGTGCTTAACCAGAACACACTGCGCATCAA-3'
Protein context (NP_997005.1, residues 138-158): SDSDYYTDDI[Asn148Ser]RACLFVPSID

ClinVar aggregate classification (germline): Conflicting classifications of pathogenicity. Review status: criteria provided, conflicting classifications (1 of 4 stars). 2 submissions from 2 submitters: Uncertain significance (1); Likely benign (1). Last evaluated 2024-12-16.

Conditions:
Exostoses, multiple, type 2 (EXT2). Also called: Hereditary Multiple Osteochondromatosis, Type II; EXOSTOSES, MULTIPLE, TYPE II. Identifiers: Orphanet 321, MedGen C1851413, MONDO:0007586, OMIM 133701.
Inborn genetic diseases. Identifiers: MedGen C0950123, MeSH D030342.

Allele frequency attached by ClinVar (database versions not stated): gnomAD 0.00003; TOPMed 0.00003.

Submissions (2):

Labcorp Genetics (formerly Invitae), Labcorp
Classification: Uncertain significance for Exostoses, multiple, type 2. Last evaluated: 2024-12-16. Review status: criteria provided, single submitter. Criteria: Invitae Variant Classification Sherloc (09022015). Collection method: clinical testing. Allele origin: germline.
Comment: This sequence change replaces asparagine, which is neutral and polar, with serine, which is neutral and polar, at codon 148 of the EXT2 protein (p.Asn148Ser). This variant is present in population databases (no rsID available, gnomAD 0.003%). This variant has not been reported in the literature in individuals affected with EXT2-related conditions. ClinVar contains an entry for this variant (Variation ID: 2172308). Invitae Evidence Modeling of protein sequence and biophysical properties (such as structural, functional, and spatial information, amino acid conservation, physicochemical variation, residue mobility, and thermodynamic stability) indicates that this missense variant is not expected to disrupt EXT2 protein function with a negative predictive value of 95%. In summary, the available evidence is currently insufficient to determine the role of this variant in disease. Therefore, it has been classified as a Variant of Uncertain Significance.

Ambry Genetics
Classification: Likely benign for Inborn genetic diseases. Last evaluated: 2022-08-17. Review status: criteria provided, single submitter. Criteria: Ambry Variant Classification Scheme 2023. Collection method: clinical testing. Allele origin: germline.